The following is an entry in ClinVar:

ClinVar aggregate classification (germline): Benign/Likely benign. Review status: criteria provided, multiple submitters, no conflicts (2 of 4 stars). 3 submissions from 3 submitters: Benign (1); Likely benign (2). Last evaluated 2025-02-04.

Conditions:
Lynch syndrome 4 (LYNCH4). Also called: Hereditary non-polyposis colorectal cancer, type 4; Colorectal cancer, hereditary nonpolyposis, type 4. Identifiers: Orphanet 144, MedGen C1838333, MONDO:0013699, OMIM 614337. Disease mechanism: loss of function.
Hereditary nonpolyposis colorectal neoplasms. Identifiers: MedGen C0009405, MeSH D003123.
Hereditary cancer-predisposing syndrome. Also called: Tumor predisposition; Neoplastic Syndromes, Hereditary; Hereditary Cancer Syndrome; Hereditary neoplastic syndrome. Identifiers: Orphanet 140162, MedGen C0027672, MeSH D009386, MONDO:0015356.

Submissions (3):

Myriad Genetics, Inc.
Classification: Benign for Lynch syndrome 4. Last evaluated: 2025-02-04. Review status: criteria provided, single submitter. Criteria: Myriad Autosomal Dominant, Autosomal Recessive and X-Linked Classification Criteria (2023). Collection method: clinical testing. Allele origin: unknown.
Comment: This variant is considered benign. This variant is a silent/synonymous amino acid change and it is not expected to impact splicing.

Labcorp Genetics (formerly Invitae), Labcorp
Classification: Likely benign for Hereditary nonpolyposis colorectal neoplasms. Last evaluated: 2024-11-12. Review status: criteria provided, single submitter. Criteria: Invitae Variant Classification Sherloc (09022015). Collection method: clinical testing. Allele origin: germline.

Ambry Genetics
Classification: Likely benign for Hereditary cancer-predisposing syndrome. Last evaluated: 2023-07-19. Review status: criteria provided, single submitter. Criteria: Ambry Variant Classification Scheme 2023. Collection method: clinical testing. Allele origin: germline.

NM_000535.7(PMS2):c.2520C>T (p.Pro840=)

Gene: PMS2 (PMS1 homolog 2, mismatch repair system component; minus strand). Cytogenetic location: 7p22.1.
Variant type: single nucleotide variant.
Coding change: c.2520C>T on transcript NM_000535.7 (MANE Select); coding-DNA position 2520, C replaced by T.
Protein change: p.Pro840=; no amino-acid change (proline 840 retained).
Molecular consequence: synonymous variant. On other transcripts: non-coding transcript variant (1).
Genome position (GRCh38, 1-based): chr7:5,973,468, G>A on the plus strand (C>T on the coding strand, the complement: PMS2 is on the minus strand). VCF-style: chr7-5973468-G-A. GRCh37 (hg19) VCF-style: chr7-6013099-G-A.
Other names: c.2520C>T (NM_000535.5); c.2115C>T, p.Pro705= (NM_001322003.2, NM_001322004.2, NM_001322005.2); c.2364C>T, p.Pro788= (NM_001322006.2); c.2202C>T, p.Pro734= (NM_001322007.2, NM_001322008.2); c.2148C>T, p.Pro716= (NM_001322009.2); c.1959C>T, p.Pro653= (NM_001322010.2); c.1587C>T, p.Pro529= (NM_001322011.2, NM_001322012.2); c.1947C>T, p.Pro649= (NM_001322013.2); and 2 more.
Identifiers: ClinVar variation 1100720 (VCV001100720.11), dbSNP rs1583269491, ClinGen allele CA453642068.